The following is an entry in ClinVar:

NM_000368.5(TSC1):c.381_383del (p.Val128del)

Gene: TSC1 (TSC complex subunit 1; minus strand). Cytogenetic location: 9q34.13.
Variant type: Deletion.
Coding change: c.381_383del on transcript NM_000368.5 (MANE Select); coding-DNA positions 381 to 383, 3 bases deleted (TGT; older notation c.381_383delTGT).
Protein change: p.Val128del; deletes valine 128.
Molecular consequence: inframe deletion.
Genome position (GRCh38, 1-based): chr9:132,923,473-132,923,475, ACA deleted on the plus strand (TGT on the coding strand, the reverse complement: TSC1 is on the minus strand); deleting any 3 consecutive bases within chr9:132,923,473-132,923,477 gives the same sequence; the c. name uses the placement nearest the transcript's 3' end. VCF-style (leftmost placement, unchanged base first): chr9-132923472-GACA-G. GRCh37 (hg19) VCF-style: chr9-135798859-GACA-G.
Other names: c.381_383delTGT (NM_000368.4); c.381_383del, p.Val128del (NM_001162426.2); c.228_230del, p.Val77del (NM_001162427.2); c.18_20del, p.Val7del (NM_001362177.2); short protein forms V128del, V77del, V7del.
Identifiers: ClinVar variation 49038 (VCV000049038.10), dbSNP rs118203378, ClinGen allele CA007485.

ClinVar aggregate classification (germline): Pathogenic/Likely pathogenic. Review status: criteria provided, multiple submitters, no conflicts (2 of 4 stars). 5 submissions from 4 submitters: Pathogenic (1); Likely pathogenic (2). 2 of the submissions do not count toward it. Last evaluated 2026-08-06.

Conditions:
Hereditary cancer-predisposing syndrome. Also called: Neoplastic Syndromes, Hereditary; Hereditary neoplastic syndrome; Tumor predisposition; Hereditary Cancer Syndrome. Identifiers: Orphanet 140162, MedGen C0027672, MeSH D009386, MONDO:0015356.
Tuberous sclerosis syndrome (TSC). Also called: Tuberous sclerosis; Tuberous Sclerosis Complex. Identifiers: Orphanet 805, MedGen C0041341, MONDO:0001734.
Tuberous sclerosis 1 (TSC1). Identifiers: Orphanet 805, MedGen C1854465, MONDO:0008612, OMIM 191100.

Submissions (5):

NHS Central & South Genomic Laboratory Hub
Classification: Likely pathogenic for Tuberous sclerosis. Last evaluated: 2026-08-06. Review status: criteria provided, single submitter. Criteria: ACMG Guidelines, 2015. Collection method: clinical testing. Allele origin: germline. Affected: yes.

Labcorp Genetics (formerly Invitae), Labcorp
Classification: Pathogenic for Tuberous sclerosis 1. Last evaluated: 2025-07-21. Review status: criteria provided, single submitter. Criteria: Invitae Variant Classification Sherloc (09022015). Collection method: clinical testing. Allele origin: germline.
Comment: This variant, c.381_383del, results in the deletion of 1 amino acid(s) of the TSC1 protein (p.Val128del), but otherwise preserves the integrity of the reading frame. This variant is not present in population databases (gnomAD no frequency). This variant has been observed in individuals with tuberous sclerosis and/or tuberous sclerosis complex (PMID: 18830229; internal data). It has also been observed to segregate with disease in related individuals. Invitae Evidence Modeling of clinical and family history, age, sex, and reported ancestry of multiple individuals with this TSC1 variant has been performed. This variant is expected to be pathogenic with a positive predictive value of at least 99%. This is a validated machine learning model that incorporates the clinical features of 1,224,362 individuals referred to our laboratory for TSC1 testing. This variant is also known as c.379_381delTGT (p.128delV). ClinVar contains an entry for this variant (Variation ID: 49038). Algorithms developed to predict the effect of variants on gene product structure and function are not available or were not evaluated for this variant. Experimental studies have shown that this variant affects TSC1 function (PMID: 21309039). For these reasons, this variant has been classified as Pathogenic.

Ambry Genetics
Classification: Likely pathogenic for Hereditary cancer-predisposing syndrome. Last evaluated: 2024-06-27. Review status: criteria provided, single submitter. Criteria: Ambry Variant Classification Scheme 2023. Collection method: clinical testing. Allele origin: germline.
Comment: The c.381_383delTGT variant (also known as p.V128del) is located in coding exon 4 of the TSC1 gene. This variant results from an in-frame TGT deletion at nucleotide positions 381 to 383. This results in the in-frame deletion of a valine at codon 128. This variant has been reported in individuals with features consistent with a clinical diagnosis of tuberous sclerosis complex (TSC) (Nellist M et al. Eur J Hum Genet, 2009 Mar;17:319-28; external communication). In addition, this alteration was identified in 1 of 374 patients with clinically suspected TSC undergoing genetic testing within the TSC1 and TSC2 genes (Meng Y et al. J Hum Genet, 2021 Mar;66:227-236). Functional studies have reported a deleterious impact for this variant (Nellist M et al. Eur J Hum Genet, 2009 Mar;17:319-28; Hoogeveen-Westerveld M et al. Hum Mutat, 2011 Apr;32:424-35). This variant is considered to be rare based on population cohorts in the Genome Aggregation Database (gnomAD). This amino acid position is well conserved in available vertebrate species. In addition, this alteration is predicted to be deleterious by in silico analysis (Choi Y et al. PLoS ONE. 2012; 7(10):e46688). Based on the majority of available evidence to date, this variant is likely to be pathogenic.

Tuberous sclerosis database (TSC1)
No classification provided. Condition: TSC. Review status: no classification provided. Criteria: Tuberous Sclerosis Database Assertion Criteria 2015. Collection method: curation. Allele origin: germline. Affected: yes. Not counted in ClinVar's aggregate classification.

Tuberous sclerosis database (TSC1)
No classification provided. Condition: TSC. Review status: flagged submission. Criteria: Tuberous Sclerosis Database Assertion Criteria 2015. Collection method: curation. Allele origin: germline. Affected: yes. Not counted in ClinVar's aggregate classification.
ClinVar note: Reason: This record appears to be redundant with a more recent record from the same submitter.
ClinVar note: Notes: SCV000066077 appears to be redundant with SCV000066078.

Literature cited by the submitters: PubMed 18830229 (cited by Labcorp Genetics (formerly Invitae), Labcorp and Ambry Genetics); PubMed 21309039 (cited by Labcorp Genetics (formerly Invitae), Labcorp and Ambry Genetics); PubMed 32917966 (cited by Ambry Genetics).